The following is an entry in ClinVar:

ClinVar aggregate classification (germline): Conflicting classifications of pathogenicity. Review status: criteria provided, conflicting classifications (1 of 4 stars). 6 submissions from 6 submitters: Uncertain significance (1); Likely benign (4). 1 of the submissions does not count toward it. Last evaluated 2026-08-01.

Conditions:
Inborn genetic diseases. Identifiers: MedGen C0950123, MeSH D030342.
Menkes kinky-hair syndrome (MNK). Also called: Menkes Disease; Classic Menkes Disease; Copper transport disease. Identifiers: Orphanet 565, MedGen C0022716, MONDO:0010651, OMIM 309400.
Cutis laxa, X-linked (OHS). Also called: EDS IX; Occipital horn syndrome. Identifiers: Orphanet 198, MedGen C0268353, MONDO:0010572, OMIM 304150.
X-linked distal spinal muscular atrophy type 3. Also called: SPINAL MUSCULAR ATROPHY, DISTAL, X-LINKED RECESSIVE; NEURONOPATHY, DISTAL HEREDITARY MOTOR, X-LINKED; NEUROPATHY, DISTAL HEREDITARY MOTOR, X-LINKED; ATP7A-Related Distal Motor Neuropathy. Identifiers: Orphanet 139557, MedGen C1845359, MONDO:0010338, OMIM 300489.

Allele frequency attached by ClinVar (database versions not stated): ExAC 0.00001; gnomAD exomes 0.00003 and 0.00007; TOPMed 0.00015; gnomAD 0.00022 and 0.00024.
gnomAD v4.1: 37 of 1,210,264 alleles (0.0031%); highest among the groups gnomAD compares: Admixed American, 0.079%; no homozygotes.

Submissions (6):

CeGaT Center for Human Genetics Tuebingen
Classification: Likely benign. Last evaluated: 2026-08-01. Review status: criteria provided, single submitter. Criteria: CeGaT Center For Human Genetics Tuebingen Variant Classification Criteria Version 2. Collection method: clinical testing. Allele origin: germline. Affected: yes. Observed: 1 variant allele.
Comment: ATP7A: BS2

Labcorp Genetics (formerly Invitae), Labcorp
Classification: Likely benign for X-linked distal spinal muscular atrophy type 3; Cutis laxa, X-linked; Menkes kinky-hair syndrome. Last evaluated: 2026-01-28. Review status: criteria provided, single submitter. Criteria: Invitae Variant Classification Sherloc (09022015). Collection method: clinical testing. Allele origin: germline.

Ambry Genetics
Classification: Likely benign for Inborn genetic diseases. Last evaluated: 2025-07-02. Review status: criteria provided, single submitter. Criteria: Ambry Variant Classification Scheme 2023. Collection method: clinical testing. Allele origin: germline.

Revvity Omics, Revvity
Classification: Uncertain significance. Last evaluated: 2022-04-21. Review status: criteria provided, single submitter. Criteria: ACMG Guidelines, 2015. Collection method: clinical testing. Allele origin: germline.

Breakthrough Genomics
Classification: Likely benign. Review status: criteria provided, single submitter. Criteria: ACMG Guidelines, 2015. Collection method: not provided. Allele origin: germline. Inheritance: X-linked inheritance. Affected: yes.

Natera, Inc.
Classification: Uncertain significance for Menkes kinky hair syndrome. Last evaluated: 2020-01-24. Review status: no assertion criteria provided. Collection method: clinical testing. Allele origin: germline. Not counted in ClinVar's aggregate classification.

NM_000052.7(ATP7A):c.1510G>A (p.Ala504Thr)

Gene: ATP7A (ATPase copper transporting alpha; plus strand). Cytogenetic location: Xq21.1.
Variant type: single nucleotide variant.
Coding change: c.1510G>A on transcript NM_000052.7 (MANE Select); coding-DNA position 1510, G replaced by A.
Protein change: p.Ala504Thr; replaces alanine 504 with threonine.
Molecular consequence: missense variant.
Genome position (GRCh38, 1-based): chrX:77,998,651, G>A. VCF-style: chrX-77998651-G-A. GRCh37 (hg19) VCF-style: chrX-77254148-G-A.
Other names: c.1510G>A, p.Ala504Thr (NM_001282224.2); c.1510G>A (NM_000052.4); short protein forms A504T.
Identifiers: ClinVar variation 800167 (VCV000800167.20), dbSNP rs781786942, ClinGen allele CA10459056.